The following is an entry in ClinVar:

ClinVar aggregate classification (germline): Likely benign (1 of 4 stars; one submission).

Allele frequency attached by ClinVar (database versions not stated): TOPMed 0.00004; gnomAD 0.00010; gnomAD exomes 0.00017; ExAC 0.00040; 1000 Genomes Project 30x 0.00047; 1000 Genomes Project 0.00060.
gnomAD v4.1: 276 of 1,604,606 alleles (0.017%); highest among the groups gnomAD compares: South Asian, 0.22%; no homozygotes.

Submission:

CeGaT Center for Human Genetics Tuebingen
Classification: Likely benign. Last evaluated: 2022-10-01. Review status: criteria provided, single submitter. Criteria: CeGaT Center For Human Genetics Tuebingen Variant Classification Criteria Version 2. Collection method: clinical testing. Allele origin: germline. Affected: yes. Observed: 2 variant alleles.
Comment: EMC10: BP4, BP7

NM_206538.4(EMC10):c.519G>A (p.Val173=)

Gene: EMC10 (ER membrane protein complex subunit 10; plus strand). Cytogenetic location: 19q13.33.
Variant type: single nucleotide variant.
Coding change: c.519G>A on transcript NM_206538.4 (MANE Select); coding-DNA position 519, G replaced by A.
Protein change: p.Val173=; no amino-acid change (valine 173 retained).
Molecular consequence: synonymous variant.
Genome position (GRCh38, 1-based): chr19:50,480,697, G>A. VCF-style: chr19-50480697-G-A. GRCh37 (hg19) VCF-style: chr19-50983954-G-A.
Other names: c.519G>A, p.Val173= (NM_175063.6).
Identifiers: ClinVar variation 2650345 (VCV002650345.24), dbSNP rs545691602, ClinGen allele CA9599088.